The following is an entry in ClinVar:

ClinVar aggregate classification (germline): Likely pathogenic (1 of 4 stars; one submission).

Conditions:
Bardet-Biedl syndrome 2 (BBS2). Identifiers: Orphanet 110, MedGen C2936863, MONDO:0014432, OMIM 615981.

Submission:

Natera, Inc.
Classification: Likely pathogenic for Bardet-Biedl syndrome type 2. Last evaluated: 2024-07-11. Review status: criteria provided, single submitter. Criteria: Natera Variant Classification Schema (03/2026). Collection method: clinical testing. Allele origin: germline.
Comment: The c.1800delinsTT variant in BBS2 is a frameshift variant predicted to shift the reading frame and introduce a stop codon. This variant is expected to result in nonsense mediated decay, truncation, or a dysfunctional protein product. This variant is rare in the general population with a frequency below the threshold expected for the associated phenotype(s). Given the available evidence, this variant is classified as Likely Pathogenic.

NM_031885.5(BBS2):c.1800delinsTT (p.Val600_Asp601insTer)

Gene: BBS2 (Bardet-Biedl syndrome 2; minus strand). Cytogenetic location: 16q13.
Variant type: Indel.
Coding change: c.1800delinsTT on transcript NM_031885.5 (MANE Select); coding-DNA position 1800, G replaced by TT.
Protein change: p.Val600_Asp601insTer.
Molecular consequence: frameshift variant. On other transcripts: non-coding transcript variant (5).
Genome position (GRCh38, 1-based): chr16:56,497,077, C replaced by AA on the plus strand (G replaced by TT on the coding strand, the reverse complement: BBS2 is on the minus strand). VCF-style: chr16-56497077-C-AA. GRCh37 (hg19) VCF-style: chr16-56530989-C-AA.
Other names: c.1800delinsTT, p.Val600_Asp601insTer (NM_001377456.1).
Identifiers: ClinVar variation 4816285 (VCV004816285.1).